The following is an entry in ClinVar:

ClinVar aggregate classification (germline): Uncertain significance (1 of 4 stars; one submission).

Conditions:
Hereditary hyperekplexia. Identifiers: Orphanet 3197, MedGen C4084968, MONDO:0021022.

Allele frequency attached by ClinVar (database versions not stated): gnomAD exomes below 0.00001; gnomAD 0.00001; TOPMed 0.00001.

Submission:

Labcorp Genetics (formerly Invitae), Labcorp
Classification: Uncertain significance for Hereditary hyperekplexia. Last evaluated: 2021-07-24. Review status: criteria provided, single submitter. Criteria: Invitae Variant Classification Sherloc (09022015). Collection method: clinical testing. Allele origin: germline.
Comment: This sequence change replaces alanine with threonine at codon 129 of the GLRA1 protein (p.Ala129Thr). The alanine residue is highly conserved and there is a small physicochemical difference between alanine and threonine. This variant is not present in population databases (ExAC no frequency). This variant has not been reported in the literature in individuals affected with GLRA1-related conditions. Advanced modeling of protein sequence and biophysical properties (such as structural, functional, and spatial information, amino acid conservation, physicochemical variation, residue mobility, and thermodynamic stability) performed at Invitae indicates that this missense variant is not expected to disrupt GLRA1 protein function. In summary, the available evidence is currently insufficient to determine the role of this variant in disease. Therefore, it has been classified as a Variant of Uncertain Significance.

NM_000171.4(GLRA1):c.385G>A (p.Ala129Thr)

Gene: GLRA1 (glycine receptor alpha 1; minus strand). Cytogenetic location: 5q33.1.
Variant type: single nucleotide variant.
Coding change: c.385G>A on transcript NM_000171.4 (MANE Select); coding-DNA position 385, G replaced by A.
Protein change: p.Ala129Thr; replaces alanine 129 with threonine.
Molecular consequence: missense variant.
Genome position (GRCh38, 1-based): chr5:151,859,876, C>T on the plus strand (G>A on the coding strand, the complement: GLRA1 is on the minus strand). VCF-style: chr5-151859876-C-T. GRCh37 (hg19) VCF-style: chr5-151239437-C-T.
Other names: c.385G>A, p.Ala129Thr (NM_001146040.2); c.136G>A, p.Ala46Thr (NM_001292000.2); short protein forms A129T, A46T.
Identifiers: ClinVar variation 1477426 (VCV001477426.8), dbSNP rs867853750, ClinGen allele CA361841533.